The following is an entry in ClinVar:

NM_001042492.3(NF1):c.323T>C (p.Met108Thr)

Gene: NF1 (neurofibromin 1; plus strand). Cytogenetic location: 17q11.2.
Variant type: single nucleotide variant.
Coding change: c.323T>C on transcript NM_001042492.3 (MANE Select); coding-DNA position 323, T replaced by C.
Protein change: p.Met108Thr; replaces methionine 108 with threonine.
Molecular consequence: missense variant.
Genome position (GRCh38, 1-based): chr17:31,163,220, T>C. VCF-style: chr17-31163220-T-C. GRCh37 (hg19) VCF-style: chr17-29490238-T-C.
Other names: c.323T>C, p.Met108Thr (NM_000267.4, NM_001128147.3); short protein forms M108T.
Identifiers: ClinVar variation 457636 (VCV000457636.10), dbSNP rs780233935, ClinGen allele CA8485531.

ClinVar aggregate classification (germline): Conflicting classifications of pathogenicity. Review status: criteria provided, conflicting classifications (1 of 4 stars). 3 submissions from 3 submitters: Uncertain significance (2); Likely benign (1). Last evaluated 2026-01-04.

Conditions:
Cardiovascular phenotype. Identifiers: MedGen CN230736.
Hereditary cancer-predisposing syndrome. Also called: Hereditary Cancer Syndrome; Hereditary neoplastic syndrome; Tumor predisposition; Neoplastic Syndromes, Hereditary. Identifiers: Orphanet 140162, MedGen C0027672, MeSH D009386, MONDO:0015356.
Neurofibromatosis, type 1 (NF1). Also called: VON RECKLINGHAUSEN DISEASE; NEUROFIBROMATOSIS, TYPE I, SOMATIC; Peripheral type neurofibromatosis; Neurofibromatosis, type I. Identifiers: Orphanet 636, MedGen C0027831, MONDO:0018975, OMIM 162200. Disease mechanism: loss of function.

Allele frequency attached by ClinVar (database versions not stated): gnomAD below 0.00001 and 0.00001; gnomAD exomes below 0.00001 and 0.00001; ExAC 0.00001.

Submissions (3):

Labcorp Genetics (formerly Invitae), Labcorp
Classification: Likely benign for Neurofibromatosis, type 1. Last evaluated: 2026-01-04. Review status: criteria provided, single submitter. Criteria: Invitae Variant Classification Sherloc (09022015). Collection method: clinical testing. Allele origin: germline.

Ambry Genetics
Classification: Uncertain significance for Cardiovascular phenotype; Hereditary cancer-predisposing syndrome. Last evaluated: 2024-02-24. Review status: criteria provided, single submitter. Criteria: Ambry Variant Classification Scheme 2023. Collection method: clinical testing. Allele origin: germline.
Comment: The p.M108T variant (also known as c.323T>C), located in coding exon 4 of the NF1 gene, results from a T to C substitution at nucleotide position 323. The methionine at codon 108 is replaced by threonine, an amino acid with similar properties. This amino acid position is highly conserved in available vertebrate species. In addition, this alteration is predicted to be deleterious by in silico analysis. Since supporting evidence is limited at this time, the clinical significance of this alteration remains unclear.

Genome-Nilou Lab
Classification: Uncertain significance for Neurofibromatosis, type 1. Last evaluated: 2022-03-15. Review status: criteria provided, single submitter. Criteria: ACMG Guidelines, 2015. Collection method: clinical testing. Allele origin: germline. Affected: no.